The following is an entry in ClinVar:

ClinVar aggregate classification (germline): Uncertain significance (1 of 4 stars; one submission).

Conditions:
Mitochondrial complex V (ATP synthase) deficiency, nuclear type 2. Also called: Nuclear-Encoded ATPase Deficiency, TMEM70-Related; ENCEPHALOCARDIOMYOPATHY, MITOCHONDRIAL, NEONATAL, DUE TO ATP SYNTHASE DEFICIENCY; MITOCHONDRIAL COMPLEX V (ATP SYNTHASE) DEFICIENCY, TMEM70 TYPE. Identifiers: Orphanet 1194, MedGen C3279699, MONDO:0013546, OMIM 614052.

Allele frequency attached by ClinVar (database versions not stated): ExAC 0.00001; ESP Exome Variant Server 0.00008.

Submission:

Labcorp Genetics (formerly Invitae), Labcorp
Classification: Uncertain significance for Mitochondrial complex V (ATP synthase) deficiency, nuclear type 2. Last evaluated: 2020-03-01. Review status: criteria provided, single submitter. Criteria: Invitae Variant Classification Sherloc (09022015). Collection method: clinical testing. Allele origin: germline.
Comment: This variant has not been reported in the literature in individuals with TMEM70-related conditions. In summary, the available evidence is currently insufficient to determine the role of this variant in disease. Therefore, it has been classified as a Variant of Uncertain Significance. Algorithms developed to predict the effect of missense changes on protein structure and function (SIFT, PolyPhen-2, Align-GVGD) all suggest that this variant is likely to be tolerated, but these predictions have not been confirmed by published functional studies and their clinical significance is uncertain. This variant is present in population databases (rs372219983, ExAC 0.002%). This sequence change replaces cysteine with phenylalanine at codon 109 of the TMEM70 protein (p.Cys109Phe). The cysteine residue is moderately conserved and there is a large physicochemical difference between cysteine and phenylalanine.

NM_017866.6(TMEM70):c.326G>T (p.Cys109Phe)

Gene: TMEM70 (transmembrane protein 70; plus strand). Cytogenetic location: 8q21.11.
Variant type: single nucleotide variant.
Coding change: c.326G>T on transcript NM_017866.6 (MANE Select); coding-DNA position 326, G replaced by T.
Protein change: p.Cys109Phe; replaces cysteine 109 with phenylalanine.
Molecular consequence: missense variant. On other transcripts: 3 prime UTR variant (1), non-coding transcript variant (1).
Genome position (GRCh38, 1-based): chr8:73,981,164, G>T. VCF-style: chr8-73981164-G-T. GRCh37 (hg19) VCF-style: chr8-74893399-G-T.
Other names: c.*16G>T (NM_001040613.3); short protein forms C109F.
Identifiers: ClinVar variation 1020617 (VCV001020617.8), dbSNP rs372219983, ClinGen allele CA4784034.
Genomic context (GRCh38, chr8:73,981,164, plus strand): 5'-TCTTTTATAAAATTTAAAAGTATTGATCCTCTCTCTTTTTTTCCCATTTAGGTGTGAAAT[G>T]TTTCTCTTATTCTACGAGTCTGATTGGCCTTACATTTCTGCCATACATTTTTACACAAAA-3'
Protein context (NP_060336.3, residues 99-119): NMARAVFGVK[Cys109Phe]FSYSTSLIGL